The following is an entry in ClinVar:

ClinVar aggregate classification (germline): Conflicting classifications of pathogenicity. Review status: criteria provided, conflicting classifications (1 of 4 stars). 5 submissions from 5 submitters: Uncertain significance (4); Benign (1). Last evaluated 2025-03-17.

Conditions:
DDX41-related hematologic malignancy predisposition syndrome. Also called: DDX41-Associated Familial Myelodysplastic Syndrome and Acute Myeloid Leukemia; Myeloproliferative/lymphoproliferative neoplasms, familial (multiple types), susceptibility to. Identifiers: Orphanet 488647, MedGen C4225174, MONDO:0014809, OMIM 616871.
Inborn genetic diseases. Identifiers: MedGen C0950123, MeSH D030342.

Allele frequency attached by ClinVar (database versions not stated): gnomAD 0.00001; TOPMed 0.00003; ESP Exome Variant Server 0.00008.
gnomAD v4.1: 33 of 1,613,766 alleles (0.002%); highest among the groups gnomAD compares: East Asian, 0.031%; no homozygotes.

Submissions (5):

GeneDx
Classification: Uncertain significance. Last evaluated: 2025-03-17. Review status: criteria provided, single submitter. Criteria: GeneDx Variant Classification Process June 2021. Collection method: clinical testing. Allele origin: germline. Affected: yes.
Comment: In silico analysis indicates that this missense variant does not alter protein structure/function; Observed in individuals with myelodysplastic syndrome (PMID: 36322930); This variant is associated with the following publications: (PMID: 36455200, 37506341, 36322930, 27721487)

St. Jude Molecular Pathology, St. Jude Children's Research Hospital
Classification: Uncertain significance for DDX41-related hematologic malignancy predisposition syndrome. Last evaluated: 2024-12-28. Review status: criteria provided, single submitter. Criteria: St. Jude Assertion Criteria 2020. Collection method: clinical testing. Allele origin: germline.
Comment: The DDX41 c.718A>G (p.Ile240Val) missense change has a maximum subpopulation frequency of 0.07% in gnomAD v2.1.1. The in silico tool REVEL predicts a benign effect on protein function, but to our knowledge this prediction has not been confirmed by functional studies. To our knowledge, this variant has not been reported in individuals with DDX41-associated familial myeloproliferative/lymphoproliferative neoplasms. In summary, the evidence currently available is insufficient to determine the clinical significance of this variant. It has therefore been classified as of uncertain significance.

Labcorp Genetics (formerly Invitae), Labcorp
Classification: Uncertain significance. Last evaluated: 2024-11-05. Review status: criteria provided, single submitter. Criteria: Invitae Variant Classification Sherloc (09022015). Collection method: clinical testing. Allele origin: germline.
Comment: This sequence change replaces isoleucine, which is neutral and non-polar, with valine, which is neutral and non-polar, at codon 240 of the DDX41 protein (p.Ile240Val). This variant is present in population databases (rs139112542, gnomAD 0.07%), and has an allele count higher than expected for a pathogenic variant. This missense change has been observed in individual(s) with myelodysplastic syndrome (PMID: 36322930). ClinVar contains an entry for this variant (Variation ID: 1895465). An algorithm developed to predict the effect of missense changes on protein structure and function (PolyPhen-2) suggests that this variant is likely to be tolerated. In summary, the available evidence is currently insufficient to determine the role of this variant in disease. Therefore, it has been classified as a Variant of Uncertain Significance.

Ambry Genetics
Classification: Benign for Inborn genetic diseases. Last evaluated: 2024-08-20. Review status: criteria provided, single submitter. Criteria: Ambry Variant Classification Scheme 2023. Collection method: clinical testing. Allele origin: germline.

Baylor Genetics
Classification: Uncertain significance for DDX41-related hematologic malignancy predisposition syndrome. Last evaluated: 2024-03-19. Review status: criteria provided, single submitter. Criteria: ACMG Guidelines, 2015. Collection method: clinical testing. Allele origin: unknown.

Literature cited by the submitters: PubMed 36322930 (cited by Labcorp Genetics (formerly Invitae), Labcorp).

NM_016222.4(DDX41):c.718A>G (p.Ile240Val)

Gene: DDX41 (DEAD-box helicase 41; minus strand). Cytogenetic location: 5q35.3.
Variant type: single nucleotide variant.
Coding change: c.718A>G on transcript NM_016222.4 (MANE Select); coding-DNA position 718, A replaced by G.
Protein change: p.Ile240Val; replaces isoleucine 240 with valine.
Molecular consequence: missense variant.
Genome position (GRCh38, 1-based): chr5:177,514,996, T>C on the plus strand (A>G on the coding strand, the complement: DDX41 is on the minus strand). VCF-style: chr5-177514996-T-C. GRCh37 (hg19) VCF-style: chr5-176941997-T-C.
Other names: c.340A>G, p.Ile114Val (NM_001321732.2, NM_001321830.2); c.718A>G (NM_016222.2); short protein forms I114V, I240V.
Identifiers: ClinVar variation 1895465 (VCV001895465.11), dbSNP rs139112542, ClinGen allele CA3585045.